The following is an entry in ClinVar:

NM_001389.5(DSCAM):c.5049G>A (p.Thr1683=)

Gene: DSCAM (DS cell adhesion molecule; minus strand). Cytogenetic location: 21q22.2.
Variant type: single nucleotide variant.
Coding change: c.5049G>A on transcript NM_001389.5 (MANE Select); coding-DNA position 5049, G replaced by A.
Protein change: p.Thr1683=; no amino-acid change (threonine 1683 retained).
Molecular consequence: synonymous variant. On other transcripts: non-coding transcript variant (1).
Genome position (GRCh38, 1-based): chr21:40,052,094, C>T on the plus strand (G>A on the coding strand, the complement: DSCAM is on the minus strand). VCF-style: chr21-40052094-C-T. GRCh37 (hg19) VCF-style: chr21-41424021-C-T.
Other names: c.5049G>A, p.Thr1683= (NM_001271534.3); c.*142G>A (NM_206887.1).
Identifiers: ClinVar variation 3026291 (VCV003026291.22), dbSNP rs530348291, ClinGen allele CA10030414.

ClinVar aggregate classification (germline): Likely benign (1 of 4 stars; one submission).

Allele frequency attached by ClinVar (database versions not stated): gnomAD exomes 0.00001; ExAC 0.00003; TOPMed 0.00003; gnomAD 0.00004; 1000 Genomes Project 30x 0.00016; 1000 Genomes Project 0.00020.
gnomAD v4.1: 23 of 1,613,878 alleles (0.0014%); highest among the groups gnomAD compares: African/African-American, 0.0053%; no homozygotes.

Submission:

CeGaT Center for Human Genetics Tuebingen
Classification: Likely benign. Last evaluated: 2024-01-01. Review status: criteria provided, single submitter. Criteria: CeGaT Center For Human Genetics Tuebingen Variant Classification Criteria Version 2. Collection method: clinical testing. Allele origin: germline. Affected: yes. Observed: 2 variant alleles.
Comment: DSCAM: BP4, BP7